The following is an entry in ClinVar:

ClinVar aggregate classification (germline): Uncertain significance (1 of 4 stars; one submission).

Conditions:
Myasthenic syndrome, congenital, 22 (CMS22). Also called: PREPL DEFICIENCY. Identifiers: MedGen C4479088, MONDO:0044299, OMIM 616224.

Allele frequency attached by ClinVar (database versions not stated): TOPMed 0.00001; gnomAD 0.00002; gnomAD exomes 0.00002 and 0.00007; ExAC 0.00003.

Submission:

Labcorp Genetics (formerly Invitae), Labcorp
Classification: Uncertain significance for Myasthenic syndrome, congenital, 22. Last evaluated: 2022-09-27. Review status: criteria provided, single submitter. Criteria: Invitae Variant Classification Sherloc (09022015). Collection method: clinical testing. Allele origin: germline.
Comment: This sequence change replaces leucine, which is neutral and non-polar, with proline, which is neutral and non-polar, at codon 189 of the PREPL protein (p.Leu189Pro). This variant is present in population databases (rs755031960, gnomAD 0.1%). This variant has not been reported in the literature in individuals affected with PREPL-related conditions. ClinVar contains an entry for this variant (Variation ID: 644788). Advanced modeling of protein sequence and biophysical properties (such as structural, functional, and spatial information, amino acid conservation, physicochemical variation, residue mobility, and thermodynamic stability) has been performed at Invitae for this missense variant, however the output from this modeling did not meet the statistical confidence thresholds required to predict the impact of this variant on PREPL protein function. In summary, the available evidence is currently insufficient to determine the role of this variant in disease. Therefore, it has been classified as a Variant of Uncertain Significance.

NM_001171613.2(PREPL):c.299T>C (p.Leu100Pro)

Gene: PREPL (prolyl endopeptidase like; minus strand). Cytogenetic location: 2p21.
Variant type: single nucleotide variant.
Coding change: c.299T>C on transcript NM_001171613.2 (MANE Select); coding-DNA position 299, T replaced by C.
Protein change: p.Leu100Pro; replaces leucine 100 with proline.
Molecular consequence: missense variant.
Genome position (GRCh38, 1-based): chr2:44,343,795, A>G on the plus strand (T>C on the coding strand, the complement: PREPL is on the minus strand). VCF-style: chr2-44343795-A-G. GRCh37 (hg19) VCF-style: chr2-44570934-A-G.
Other names: c.566T>C, p.Leu189Pro (NM_006036.4, NM_001042385.2, NM_001042386.2 and 4 more transcripts); c.299T>C, p.Leu100Pro (NM_001171617.1, NM_001374277.1); short protein forms L100P, L189P.
Identifiers: ClinVar variation 644788 (VCV000644788.8), dbSNP rs755031960, ClinGen allele CA1641551.